The following is an entry in ClinVar:

NM_024105.4(ALG12):c.1043T>G (p.Val348Gly)

Gene: ALG12 (ALG12 alpha-1,6-mannosyltransferase; minus strand). Cytogenetic location: 22q13.33.
Variant type: single nucleotide variant.
Coding change: c.1043T>G on transcript NM_024105.4 (MANE Select); coding-DNA position 1043, T replaced by G.
Protein change: p.Val348Gly; replaces valine 348 with glycine.
Molecular consequence: missense variant.
Genome position (GRCh38, 1-based): chr22:49,904,456, A>C on the plus strand (T>G on the coding strand, the complement: ALG12 is on the minus strand). VCF-style: chr22-49904456-A-C. GRCh37 (hg19) VCF-style: chr22-50298104-A-C.
Other names: short protein forms V348G.
Identifiers: ClinVar variation 1492045 (VCV001492045.7), dbSNP rs747813537, ClinGen allele CA10300359.

ClinVar aggregate classification (germline): Uncertain significance (1 of 4 stars; one submission).

Conditions:
ALG12-congenital disorder of glycosylation (CDG1G). Also called: CDG Ig; Congenital disorder of glycosylation, type Ig; ALG12-CDG. Identifiers: Orphanet 79324, MedGen C2931001, MONDO:0011783, OMIM 607143.

Allele frequency attached by ClinVar (database versions not stated): gnomAD exomes below 0.00001 and 0.00001; ExAC 0.00001.
gnomAD v4.1: 1 of 1,614,212 alleles (0.000062%); highest among the groups gnomAD compares: Non-Finnish European, 0.000085%; no homozygotes.

Submission:

Labcorp Genetics (formerly Invitae), Labcorp
Classification: Uncertain significance for ALG12-congenital disorder of glycosylation. Last evaluated: 2022-01-12. Review status: criteria provided, single submitter. Criteria: Invitae Variant Classification Sherloc (09022015). Collection method: clinical testing. Allele origin: germline.
Comment: This sequence change replaces valine, which is neutral and non-polar, with glycine, which is neutral and non-polar, at codon 348 of the ALG12 protein (p.Val348Gly). This variant is present in population databases (rs747813537, gnomAD 0.002%). This variant has not been reported in the literature in individuals affected with ALG12-related conditions. Algorithms developed to predict the effect of missense changes on protein structure and function are either unavailable or do not agree on the potential impact of this missense change (SIFT: "Deleterious"; PolyPhen-2: "Possibly Damaging"; Align-GVGD: "Class C0"). In summary, the available evidence is currently insufficient to determine the role of this variant in disease. Therefore, it has been classified as a Variant of Uncertain Significance.